The following is an entry in ClinVar:

ClinVar aggregate classification (germline): Uncertain significance (1 of 4 stars; one submission).

Conditions:
X-linked myopathy with postural muscle atrophy. Also called: FHL1-Related Emery-Dreifuss Muscular Dystrophy, X-Linked. Identifiers: Orphanet 178461, MedGen C2678055, MONDO:0010401, OMIM 300696.

Submission:

Labcorp Genetics (formerly Invitae), Labcorp
Classification: Uncertain significance for X-linked myopathy with postural muscle atrophy. Last evaluated: 2022-12-09. Review status: criteria provided, single submitter. Criteria: Invitae Variant Classification Sherloc (09022015). Collection method: clinical testing. Allele origin: germline.
Comment: This sequence change replaces glutamine, which is neutral and polar, with glutamic acid, which is acidic and polar, at codon 15 of the FHL1 protein (p.Gln15Glu). In summary, the available evidence is currently insufficient to determine the role of this variant in disease. Therefore, it has been classified as a Variant of Uncertain Significance. Algorithms developed to predict the effect of missense changes on protein structure and function (SIFT, PolyPhen-2, Align-GVGD) all suggest that this variant is likely to be tolerated. This variant has not been reported in the literature in individuals affected with FHL1-related conditions. This variant is not present in population databases (gnomAD no frequency).

NM_001159699.2(FHL1):c.91C>G (p.Gln31Glu)

Gene: FHL1 (four and a half LIM domains 1; plus strand). Cytogenetic location: Xq26.3.
Variant type: single nucleotide variant.
Coding change: c.91C>G on transcript NM_001159699.2 (MANE Select); coding-DNA position 91, C replaced by G.
Protein change: p.Gln31Glu; replaces glutamine 31 with glutamic acid.
Molecular consequence: missense variant. On other transcripts: non-coding transcript variant (1).
Genome position (GRCh38, 1-based): chrX:136,206,475, C>G. VCF-style: chrX-136206475-C-G. GRCh37 (hg19) VCF-style: chrX-135288634-C-G.
Other names: c.43C>G, p.Gln15Glu (NM_001159700.2, NM_001159702.3, NM_001159703.2 and 9 more transcripts); c.130C>G, p.Gln44Glu (NM_001159701.2); c.91C>G, p.Gln31Glu (NM_001330659.2); short protein forms Q15E, Q44E, Q31E.
Identifiers: ClinVar variation 2819696 (VCV002819696.3), dbSNP rs2521247645, ClinGen allele CA414607493.